The following is an entry in ClinVar:

NM_000036.3(AMPD1):c.200C>T (p.Ser67Phe)

Gene: AMPD1 (adenosine monophosphate deaminase 1; minus strand). Cytogenetic location: 1p13.2.
Variant type: single nucleotide variant.
Coding change: c.200C>T on transcript NM_000036.3 (MANE Select); coding-DNA position 200, C replaced by T.
Protein change: p.Ser67Phe; replaces serine 67 with phenylalanine.
Molecular consequence: missense variant.
Genome position (GRCh38, 1-based): chr1:114,688,576, G>A on the plus strand (C>T on the coding strand, the complement: AMPD1 is on the minus strand). VCF-style: chr1-114688576-G-A. GRCh37 (hg19) VCF-style: chr1-115231197-G-A.
Other names: c.188C>T, p.Ser63Phe (NM_001172626.2); short protein forms S63F, S67F.
Identifiers: ClinVar variation 1369522 (VCV001369522.5), dbSNP rs145315039, ClinGen allele CA1020531.
Genomic context (GRCh38, chr1:114,688,576, plus strand): 5'-CTCCTTAGGTGCCAATATACTAAGCACTCCCCTTACACCACTTACCTCCTGGCTTCTGTG[G>A]AGGTGGACAGAGTCTCCAGATGGAATATGTGTGCTTGCATCTCATGATGAGAAATCGGAC-3'
Protein context (NP_000027.3, residues 57-77): HIFHLETLST[Ser67Phe]TEARRKKRFQ

ClinVar aggregate classification (germline): Uncertain significance (1 of 4 stars; one submission).

Conditions:
Muscle AMP deaminase deficiency (MMDD). Also called: Myoadenylate deaminase deficiency, myopathy due to; Adenosine monophosphate deaminase 1 deficiency; AMP deaminase 1 deficiency; Adenosine Monophosphate Deaminase 1; ADENOSINE MONOPHOSPHATE DEAMINASE-1 DEFICIENCY, MYOPATHY DUE TO; AMPD1 DEFICIENCY. Identifiers: Orphanet 45, MedGen C3714933, MONDO:0014220, OMIM 615511.

Allele frequency attached by ClinVar (database versions not stated): gnomAD exomes 0.00001 and 0.00002; ExAC 0.00004; gnomAD 0.00008 and 0.00009; TOPMed 0.00011; 1000 Genomes Project 30x 0.00016; 1000 Genomes Project 0.00020; ESP Exome Variant Server 0.00031.
gnomAD v4.1: 23 of 1,614,156 alleles (0.0014%); highest among the groups gnomAD compares: African/African-American, 0.024%; no homozygotes.

Submission:

Labcorp Genetics (formerly Invitae), Labcorp
Classification: Uncertain significance for Muscle AMP deaminase deficiency. Last evaluated: 2022-02-14. Review status: criteria provided, single submitter. Criteria: Invitae Variant Classification Sherloc (09022015). Collection method: clinical testing. Allele origin: germline.
Comment: This sequence change replaces serine, which is neutral and polar, with phenylalanine, which is neutral and non-polar, at codon 100 of the AMPD1 protein (p.Ser100Phe). This variant is present in population databases (rs145315039, gnomAD 0.03%). This variant has not been reported in the literature in individuals affected with AMPD1-related conditions. Algorithms developed to predict the effect of missense changes on protein structure and function are either unavailable or do not agree on the potential impact of this missense change (SIFT: "Deleterious"; PolyPhen-2: "Benign"; Align-GVGD: "Class C0"). In summary, the available evidence is currently insufficient to determine the role of this variant in disease. Therefore, it has been classified as a Variant of Uncertain Significance.